The following is an entry in ClinVar:

NM_016507.4(CDK12):c.812G>T (p.Arg271Ile)

Genes: CDK12 (cyclin dependent kinase 12; plus strand), LOC126862553 (CDK7 strongly-dependent group 2 enhancer GRCh37_chr17:37618166-37619365; plus strand). Cytogenetic location: 17q12.
Variant type: single nucleotide variant.
Coding change: c.812G>T on transcript NM_016507.4 (MANE Select); coding-DNA position 812, G replaced by T.
Protein change: p.Arg271Ile; replaces arginine 271 with isoleucine.
Molecular consequence: missense variant.
Genome position (GRCh38, 1-based): chr17:39,462,883, G>T. VCF-style: chr17-39462883-G-T. GRCh37 (hg19) VCF-style: chr17-37619136-G-T.
Other names: c.812G>T, p.Arg271Ile (NM_015083.4); short protein forms R271I.
Identifiers: ClinVar variation 3830805 (VCV003830805.2).

ClinVar aggregate classification (germline): Uncertain significance (1 of 4 stars; one submission).

gnomAD v4.1: 27 of 1,614,172 alleles (0.0017%); highest among the groups gnomAD compares: South Asian, 0.027%; no homozygotes.

Submission:

Ambry Genetics
Classification: Uncertain significance. Last evaluated: 2025-08-05. Review status: criteria provided, single submitter. Criteria: Ambry Variant Classification Scheme 2023. Collection method: clinical testing. Allele origin: germline.
Comment: The p.R271I variant (also known as c.812G>T), located in coding exon 1 of the CDK12 gene, results from a G to T substitution at nucleotide position 812. The arginine at codon 271 is replaced by isoleucine, an amino acid with similar properties. This amino acid position is conserved. In addition, this alteration is predicted to be tolerated by in silico analysis. Based on the available evidence, the clinical significance of this variant remains unclear.